The following is an entry in ClinVar:

ClinVar aggregate classification (germline): Likely benign. Review status: criteria provided, multiple submitters, no conflicts (2 of 4 stars). 3 submissions from 3 submitters: Likely benign (2). 1 of the submissions does not count toward it. Last evaluated 2025-05-13.

Conditions:
PCYT1A-related disorder. Also called: PCYT1A-related condition.

Allele frequency attached by ClinVar (database versions not stated): TOPMed 0.00006; gnomAD 0.00007 and 0.00009; gnomAD exomes 0.00007 and 0.00014; ESP Exome Variant Server 0.00008; ExAC 0.00014.
gnomAD v4.1: 108 of 1,588,416 alleles (0.0068%); highest among the groups gnomAD compares: Middle Eastern, 0.017%; 1 homozygote.

Submissions (3):

Labcorp Genetics (formerly Invitae), Labcorp
Classification: Likely benign. Last evaluated: 2025-05-13. Review status: criteria provided, single submitter. Criteria: Invitae Variant Classification Sherloc (09022015). Collection method: clinical testing. Allele origin: germline.

Blueprint Genetics
Classification: Likely benign. Last evaluated: 2024-07-06. Review status: criteria provided, single submitter. Criteria: ACMG Guidelines, 2015. Collection method: clinical testing. Allele origin: germline.

PreventionGenetics, part of Exact Sciences
Classification: Likely benign for PCYT1A-related condition. Last evaluated: 2024-05-03. Review status: no assertion criteria provided. Collection method: clinical testing. Allele origin: germline. Not counted in ClinVar's aggregate classification.
Comment: This variant is classified as likely benign based on ACMG/AMP sequence variant interpretation guidelines (Richards et al. 2015 PMID: 25741868, with internal and published modifications).

NM_001312673.2(PCYT1A):c.1009C>T (p.Pro337Ser)

Gene: PCYT1A (phosphate cytidylyltransferase 1A, choline; minus strand). Cytogenetic location: 3q29.
Variant type: single nucleotide variant.
Coding change: c.1009C>T on transcript NM_001312673.2 (MANE Select); coding-DNA position 1009, C replaced by T.
Protein change: p.Pro337Ser; replaces proline 337 with serine.
Molecular consequence: missense variant.
Genome position (GRCh38, 1-based): chr3:196,238,783, G>A on the plus strand (C>T on the coding strand, the complement: PCYT1A is on the minus strand). VCF-style: chr3-196238783-G-A. GRCh37 (hg19) VCF-style: chr3-195965654-G-A.
Other names: c.1009C>T, p.Pro337Ser (NM_005017.4); short protein forms P337S.
Identifiers: ClinVar variation 852871 (VCV000852871.8), dbSNP rs142799242, ClinGen allele CA2779349.